The following is an entry in ClinVar:

NM_001793.6(CDH3):c.456C>G (p.Ser152Arg)

Gene: CDH3 (cadherin 3; plus strand). Cytogenetic location: 16q22.1.
Variant type: single nucleotide variant.
Coding change: c.456C>G on transcript NM_001793.6 (MANE Select); coding-DNA position 456, C replaced by G.
Protein change: p.Ser152Arg; replaces serine 152 with arginine.
Molecular consequence: missense variant.
Genome position (GRCh38, 1-based): chr16:68,678,566, C>G. VCF-style: chr16-68678566-C-G. GRCh37 (hg19) VCF-style: chr16-68712469-C-G.
Other names: c.456C>G, p.Ser152Arg (NM_001317195.3); c.291C>G, p.Ser97Arg (NM_001317196.2); short protein forms S152R, S97R.
Identifiers: ClinVar variation 1000993 (VCV001000993.8), dbSNP rs769411955, ClinGen allele CA396449000.

ClinVar aggregate classification (germline): Uncertain significance (1 of 4 stars; one submission).

gnomAD v4.1: 4 of 1,614,082 alleles (0.00025%); highest among the groups gnomAD compares: African/African-American, 0.0053%; no homozygotes.

Submission:

Labcorp Genetics (formerly Invitae), Labcorp
Classification: Uncertain significance. Last evaluated: 2024-11-11. Review status: criteria provided, single submitter. Criteria: Invitae Variant Classification Sherloc (09022015). Collection method: clinical testing. Allele origin: germline.
Comment: This sequence change replaces serine, which is neutral and polar, with arginine, which is basic and polar, at codon 152 of the CDH3 protein (p.Ser152Arg). This variant is present in population databases (no rsID available, gnomAD 0.01%). This variant has not been reported in the literature in individuals affected with CDH3-related conditions. ClinVar contains an entry for this variant (Variation ID: 1000993). An algorithm developed to predict the effect of missense changes on protein structure and function outputs the following: PolyPhen-2: "Benign". The arginine amino acid residue is found in multiple mammalian species, which suggests that this missense change does not adversely affect protein function. In summary, the available evidence is currently insufficient to determine the role of this variant in disease. Therefore, it has been classified as a Variant of Uncertain Significance.